The following is an entry in ClinVar:

ClinVar aggregate classification (germline): Uncertain significance (1 of 4 stars; one submission).

Submission:

Labcorp Genetics (formerly Invitae), Labcorp
Classification: Uncertain significance. Last evaluated: 2025-05-21. Review status: criteria provided, single submitter. Criteria: Invitae Variant Classification Sherloc (09022015). Collection method: clinical testing. Allele origin: germline.
Comment: This sequence change replaces glycine, which is neutral and non-polar, with aspartic acid, which is acidic and polar, at codon 472 of the TNNI3K protein (p.Gly472Asp). This variant is present in population databases (rs755043311, gnomAD 0.0009%). This variant has not been reported in the literature in individuals affected with TNNI3K-related conditions. An algorithm developed to predict the effect of missense changes on protein structure and function (PolyPhen-2) suggests that this variant is likely to be disruptive. Algorithms developed to predict the effect of sequence changes on RNA splicing suggest that this variant may disrupt the consensus splice site. In summary, the available evidence is currently insufficient to determine the role of this variant in disease. Therefore, it has been classified as a Variant of Uncertain Significance.

NM_015978.3(TNNI3K):c.1415G>A (p.Gly472Asp)

Genes: FPGT-TNNI3K (FPGT-TNNI3K readthrough; plus strand), TNNI3K (TNNI3 interacting kinase; plus strand). Cytogenetic location: 1p31.1.
Variant type: single nucleotide variant.
Coding change: c.1415G>A on transcript NM_015978.3 (MANE Select); coding-DNA position 1415, G replaced by A.
Protein change: p.Gly472Asp; replaces glycine 472 with aspartic acid.
Molecular consequence: missense variant.
Genome position (GRCh38, 1-based): chr1:74,369,207, G>A. VCF-style: chr1-74369207-G-A. GRCh37 (hg19) VCF-style: chr1-74834891-G-A.
Other names: c.1718G>A, p.Gly573Asp (NM_001112808.3, NM_001199327.2); short protein forms G472D, G573D.
Identifiers: ClinVar variation 4775344 (VCV004775344.1).